The following is an entry in ClinVar:

ClinVar aggregate classification (germline): Uncertain significance (1 of 4 stars; one submission).

Conditions:
Epidermolysis bullosa simplex with nail dystrophy (EBS5D). Identifiers: MedGen C4225309, MONDO:0014661, OMIM 616487.
Epidermolysis bullosa simplex, Ogna type (EBS5A). Also called: Pidermolysis bullosa simplex 5A, Ogna type; EPIDERMOLYSIS BULLOSA SIMPLEX 5A, OGNA TYPE. Identifiers: Orphanet 79401, MedGen C0432317, MONDO:0007555, OMIM 131950.
Autosomal recessive limb-girdle muscular dystrophy type 2Q (LGMDR17). Also called: MUSCULAR DYSTROPHY, LIMB-GIRDLE, AUTOSOMAL RECESSIVE 17. Identifiers: Orphanet 254361, MedGen C3150989, MONDO:0013390, OMIM 613723.
Epidermolysis bullosa simplex 5B, with muscular dystrophy (EBS5B). Also called: EPIDERMOLYSIS BULLOSA SIMPLEX AND LIMB-GIRDLE MUSCULAR DYSTROPHY; Epidermolysis bullosa simplex with muscular dystrophy. Identifiers: Orphanet 257, MedGen C2931072, MONDO:0009181, OMIM 226670.
Epidermolysis bullosa simplex 5C, with pyloric atresia (EBS5C). Also called: PLEC-Related Epidermolysis Bullosa with Pyloric Atresia; Epidermolysis bullosa simplex with pyloric atresia; PLEC1-Related Epidermolysis Bullosa with Pyloric Atresia. Identifiers: Orphanet 158684, MedGen C2677349, MONDO:0012807, OMIM 612138.

gnomAD v4.1: 2 of 1,612,924 alleles (0.00012%); highest among the groups gnomAD compares: East Asian, 0.0045%; no homozygotes.

Submission:

Labcorp Genetics (formerly Invitae), Labcorp
Classification: Uncertain significance for Autosomal recessive limb-girdle muscular dystrophy type 2Q; Epidermolysis bullosa simplex, Ogna type; Epidermolysis bullosa simplex with nail dystrophy; Epidermolysis bullosa simplex 5C, with pyloric atresia; Epidermolysis bullosa simplex 5B, with muscular dystrophy. Last evaluated: 2026-01-04. Review status: criteria provided, single submitter. Criteria: Invitae Variant Classification Sherloc (09022015). Collection method: clinical testing. Allele origin: germline.
Comment: This sequence change replaces leucine, which is neutral and non-polar, with valine, which is neutral and non-polar, at codon 219 of the PLEC protein (p.Leu219Val). This variant is present in population databases (no rsID available, gnomAD 0.01%). This variant has not been reported in the literature in individuals affected with PLEC-related conditions. ClinVar contains an entry for this variant (Variation ID: 3752356). Experimental studies and prediction algorithms are not available or were not evaluated, and the functional significance of this variant is currently unknown. In summary, the available evidence is currently insufficient to determine the role of this variant in disease. Therefore, it has been classified as a Variant of Uncertain Significance.

NM_201384.3(PLEC):c.574C>G (p.Leu192Val)

Gene: PLEC (plectin; minus strand). Cytogenetic location: 8q24.3.
Variant type: single nucleotide variant.
Coding change: c.574C>G on transcript NM_201384.3 (MANE Select); coding-DNA position 574, C replaced by G.
Protein change: p.Leu192Val; replaces leucine 192 with valine.
Molecular consequence: missense variant.
Genome position (GRCh38, 1-based): chr8:143,935,876, G>C on the plus strand (C>G on the coding strand, the complement: PLEC is on the minus strand). VCF-style: chr8-143935876-G-C. GRCh37 (hg19) VCF-style: chr8-145010044-G-C.
Other names: c.655C>G, p.Leu219Val (NM_000445.5, NM_001410941.1); c.532C>G, p.Leu178Val (NM_201378.4); c.508C>G, p.Leu170Val (NM_201379.3); c.985C>G, p.Leu329Val (NM_201380.4); c.478C>G, p.Leu160Val (NM_201381.3); c.574C>G, p.Leu192Val (NM_201382.4); c.586C>G, p.Leu196Val (NM_201383.3); short protein forms L160V, L170V, L178V, L192V, L196V, L219V, L329V.
Identifiers: ClinVar variation 3752356 (VCV003752356.2).